The following is an entry in ClinVar:

NM_007294.4(BRCA1):c.5407-16C>T

Gene: BRCA1 (BRCA1 DNA repair associated; minus strand). Cytogenetic location: 17q21.31.
Variant type: single nucleotide variant.
Coding change: c.5407-16C>T on transcript NM_007294.4 (MANE Select); 16 bases into the intron before coding-DNA position 5407, C replaced by T.
Molecular consequence: intron variant.
Genome position (GRCh38, 1-based): chr17:43,047,719, G>A on the plus strand (C>T on the coding strand, the complement: BRCA1 is on the minus strand). VCF-style: chr17-43047719-G-A. GRCh37 (hg19) VCF-style: chr17-41199736-G-A.
Other names: IVS22-16C>T; c.5263-16C>T (NM_001407735.1, NM_001407744.1, NM_001407750.1 and 18 more transcripts); c.5266-16C>T (NM_001407729.1, NM_001407698.1, NM_001407694.1 and 12 more transcripts); c.5194-16C>T (NM_001407899.1, NM_001407895.1, NM_001407910.1 and 12 more transcripts); c.1768-16C>T (NM_001408507.1); c.1852-16C>T (NM_001408495.1); c.1969-16C>T (NM_001408448.1, NM_001408445.1, NM_001408450.1 and 2 more transcripts); c.1978-16C>T (NM_001408421.1, NM_001408424.1, NM_001408422.1 and 1 more transcripts); and 84 more.
Identifiers: ClinVar variation 156197 (VCV000156197.5), dbSNP rs587776493, ClinGen allele CA003568.

ClinVar aggregate classification (germline): Likely benign. Review status: criteria provided, multiple submitters, no conflicts (2 of 4 stars). 3 submissions from 3 submitters: Likely benign (2). 1 of the submissions does not count toward it. Last evaluated 2024-09-25.

Conditions:
Hereditary breast ovarian cancer syndrome. Also called: Hereditary breast and/or ovarian cancer syndrome; Breast and ovarian cancer; Hereditary breast and ovarian cancer syndrome; Hereditary breast and ovarian cancer; Hereditary breast and ovarian cancer syndrome (HBOC); BRCA1- and BRCA2-Associated Hereditary Breast and Ovarian Cancer. Identifiers: Orphanet 145, MedGen C0677776, MeSH D061325, MONDO:0003582. Disease mechanism: loss of function.
Breast-ovarian cancer, familial, susceptibility to, 1 (BROVCA1). Also called: BRCA1 Hereditary Breast and Ovarian Cancer; OVARIAN CANCER, SUSCEPTIBILITY TO. Identifiers: Orphanet 145, MedGen C2676676, MONDO:0011450, OMIM 604370. Disease mechanism: loss of function.

Allele frequency attached by ClinVar (database versions not stated): gnomAD 0.00001; gnomAD exomes 0.00002.
gnomAD v4.1: 14 of 1,613,796 alleles (0.00087%); highest among the groups gnomAD compares: Non-Finnish European, 0.0012%; no homozygotes.

Submissions (3):

Labcorp Genetics (formerly Invitae), Labcorp
Classification: Likely benign for Hereditary breast ovarian cancer syndrome. Last evaluated: 2024-09-25. Review status: criteria provided, single submitter. Criteria: Invitae Variant Classification Sherloc (09022015). Collection method: clinical testing. Allele origin: germline.

GeneDx
Classification: Likely benign. Last evaluated: 2017-11-16. Review status: criteria provided, single submitter. Criteria: GeneDx Variant Classification (06012015). Collection method: clinical testing. Allele origin: germline. Affected: yes.
Comment: This variant is considered likely benign or benign based on one or more of the following criteria: it is a conservative change, it occurs at a poorly conserved position in the protein, it is predicted to be benign by multiple in silico algorithms, and/or has population frequency not consistent with disease.

Sharing Clinical Reports Project (SCRP)
Classification: Likely benign for Breast-ovarian cancer, familial 1. Last evaluated: 2011-02-25. Review status: no assertion criteria provided. Collection method: clinical testing. Allele origin: germline. Not counted in ClinVar's aggregate classification.